The following is an entry in ClinVar:

NM_000642.3(AGL):c.4514A>G (p.Asn1505Ser)

Gene: AGL (amylo-alpha-1,6-glucosidase and 4-alpha-glucanotransferase; plus strand). Cytogenetic location: 1p21.2.
Variant type: single nucleotide variant.
Coding change: c.4514A>G on transcript NM_000642.3 (MANE Select); coding-DNA position 4514, A replaced by G.
Protein change: p.Asn1505Ser; replaces asparagine 1505 with serine.
Molecular consequence: missense variant.
Genome position (GRCh38, 1-based): chr1:99,921,566, A>G. VCF-style: chr1-99921566-A-G. GRCh37 (hg19) VCF-style: chr1-100387122-A-G.
Other names: c.4514A>G, p.Asn1505Ser (NM_000643.3, NM_000644.3, NM_001425325.1 and 1 more transcripts); c.4466A>G, p.Asn1489Ser (NM_000646.3); c.4493A>G, p.Asn1498Ser (NM_001425326.1); c.4313A>G, p.Asn1438Ser (NM_001425327.1); c.4310A>G, p.Asn1437Ser (NM_001425328.1); c.4175A>G, p.Asn1392Ser (NM_001425329.1); c.4136A>G, p.Asn1379Ser (NM_001425332.1); short protein forms N1505S, N1489S, N1379S, N1392S, N1437S, N1438S, N1498S.
Identifiers: ClinVar variation 1929947 (VCV001929947.2), dbSNP rs765306655, ClinGen allele CA967469.
Genomic context (GRCh38, chr1:99,921,566, plus strand): 5'-TTTGTAAAATGTCTTTTCTTTCATTCAGATCCCCTTGGAAAGGACTTCCAGAACTGACCA[A>G]TGAGAATGCCCAGTACTGTCCTTTCAGCTGTGAAACACAAGCCTGGTCAATTGCTACTAT-3'
Protein context (NP_000633.2, residues 1495-1515): SPWKGLPELT[Asn1505Ser]ENAQYCPFSC

ClinVar aggregate classification (germline): Uncertain significance (1 of 4 stars; one submission).

Conditions:
Glycogen storage disease type III (GSD3). Also called: Cori disease; FORBES DISEASE. Identifiers: Orphanet 366, MedGen C0017922, MONDO:0009291, OMIM 232400.

Allele frequency attached by ClinVar (database versions not stated): TOPMed below 0.00001; ExAC 0.00002; gnomAD exomes 0.00002.
gnomAD v4.1: 23 of 1,613,084 alleles (0.0014%); highest among the groups gnomAD compares: Admixed American, 0.0067%; no homozygotes.

Submission:

Labcorp Genetics (formerly Invitae), Labcorp
Classification: Uncertain significance for Glycogen storage disease type III. Last evaluated: 2022-05-31. Review status: criteria provided, single submitter. Criteria: Invitae Variant Classification Sherloc (09022015). Collection method: clinical testing. Allele origin: germline.
Comment: This sequence change replaces asparagine, which is neutral and polar, with serine, which is neutral and polar, at codon 1505 of the AGL protein (p.Asn1505Ser). This variant is present in population databases (rs765306655, gnomAD 0.009%). This variant has not been reported in the literature in individuals affected with AGL-related conditions. Algorithms developed to predict the effect of missense changes on protein structure and function are either unavailable or do not agree on the potential impact of this missense change (SIFT: "Tolerated"; PolyPhen-2: "Probably Damaging"; Align-GVGD: "Class C0"). In summary, the available evidence is currently insufficient to determine the role of this variant in disease. Therefore, it has been classified as a Variant of Uncertain Significance.